The following is an entry in ClinVar:

ClinVar aggregate classification (germline): Uncertain significance (1 of 4 stars; one submission).

Conditions:
Inborn genetic diseases. Identifiers: MedGen C0950123, MeSH D030342.

Submission:

Ambry Genetics
Classification: Uncertain significance for Inborn genetic diseases. Last evaluated: 2025-01-17. Review status: criteria provided, single submitter. Criteria: Ambry Variant Classification Scheme 2023. Collection method: clinical testing. Allele origin: germline.
Comment: The p.D564E variant (also known as c.1692C>A), located in coding exon 14 of the DNMT3A gene, results from a C to A substitution at nucleotide position 1692. The aspartic acid at codon 564 is replaced by glutamic acid, an amino acid with highly similar properties. This amino acid position is conserved. In addition, this alteration is predicted to be tolerated by in silico analysis. Based on the available evidence, the clinical significance of this variant remains unclear.

NM_022552.5(DNMT3A):c.1692C>A (p.Asp564Glu)

Gene: DNMT3A (DNA methyltransferase 3 alpha; minus strand). Cytogenetic location: 2p23.3.
Variant type: single nucleotide variant.
Coding change: c.1692C>A on transcript NM_022552.5 (MANE Select); coding-DNA position 1692, C replaced by A.
Protein change: p.Asp564Glu; replaces aspartic acid 564 with glutamic acid.
Molecular consequence: missense variant. On other transcripts: non-coding transcript variant (1).
Genome position (GRCh38, 1-based): chr2:25,244,314, G>T on the plus strand (C>A on the coding strand, the complement: DNMT3A is on the minus strand). VCF-style: chr2-25244314-G-T. GRCh37 (hg19) VCF-style: chr2-25467183-G-T.
Other names: c.1236C>A, p.Asp412Glu (NM_001320893.1); c.1023C>A, p.Asp341Glu (NM_001375819.1); c.1125C>A, p.Asp375Glu (NM_153759.3); c.1692C>A, p.Asp564Glu (NM_175629.2); short protein forms D341E, D564E, D375E, D412E.
Identifiers: ClinVar variation 3841767 (VCV003841767.1).